The following is an entry in ClinVar:

ClinVar aggregate classification (germline): Uncertain significance (1 of 4 stars; one submission).

Conditions:
T-B+ severe combined immunodeficiency due to JAK3 deficiency. Also called: SCID, autosomal recessive, T-negative/B-positive type; SCID, T CELL-NEGATIVE, B CELL-POSITIVE, NK CELL-NEGATIVE. Identifiers: Orphanet 35078, MedGen C1833275, MONDO:0010938, OMIM 600802.

Allele frequency attached by ClinVar (database versions not stated): gnomAD exomes 0.00001; ExAC 0.00003.

Submission:

Labcorp Genetics (formerly Invitae), Labcorp
Classification: Uncertain significance for T-B+ severe combined immunodeficiency due to JAK3 deficiency. Last evaluated: 2025-03-03. Review status: criteria provided, single submitter. Criteria: Invitae Variant Classification Sherloc (09022015). Collection method: clinical testing. Allele origin: germline.
Comment: This sequence change falls in intron 4 of the JAK3 gene. It does not directly change the encoded amino acid sequence of the JAK3 protein. It affects a nucleotide within the consensus splice site. The frequency data for this variant in the population databases is considered unreliable, as metrics indicate poor data quality at this position in the gnomAD database. This variant has not been reported in the literature in individuals affected with JAK3-related conditions. ClinVar contains an entry for this variant (Variation ID: 1387556). Variants that disrupt the consensus splice site are a relatively common cause of aberrant splicing (PMID: 17576681, 9536098). Algorithms developed to predict the effect of sequence changes on RNA splicing suggest that this variant is not likely to affect RNA splicing. In summary, the available evidence is currently insufficient to determine the role of this variant in disease. Therefore, it has been classified as a Variant of Uncertain Significance.

Literature cited by the submitters: PubMed 17576681; PubMed 9536098.

NM_000215.4(JAK3):c.420+3G>A

Gene: JAK3 (Janus kinase 3; minus strand). Cytogenetic location: 19p13.11.
Variant type: single nucleotide variant.
Coding change: c.420+3G>A on transcript NM_000215.4 (MANE Select); 3 bases into the intron after coding-DNA position 420, G replaced by A.
Molecular consequence: intron variant.
Genome position (GRCh38, 1-based): chr19:17,843,377, C>T on the plus strand (G>A on the coding strand, the complement: JAK3 is on the minus strand). VCF-style: chr19-17843377-C-T. GRCh37 (hg19) VCF-style: chr19-17954186-C-T.
Identifiers: ClinVar variation 1387556 (VCV001387556.4), dbSNP rs748616863, ClinGen allele CA9302182.